The following is an entry in ClinVar:

ClinVar aggregate classification (germline): Likely benign (0 of 4 stars; one submission).

Conditions:
PLXNA3-related disorder. Also called: PLXNA3-related condition.

gnomAD v4.1: 62 of 1,195,068 alleles (0.0052%); highest among the groups gnomAD compares: Non-Finnish European, 0.0065%; no homozygotes.

Submission:

PreventionGenetics, part of Exact Sciences
Classification: Likely benign for PLXNA3-related condition. Last evaluated: 2021-12-08. Review status: no assertion criteria provided. Collection method: clinical testing. Allele origin: germline.
Comment: This variant is classified as likely benign based on ACMG/AMP sequence variant interpretation guidelines (Richards et al. 2015 PMID: 25741868, with internal and published modifications).

NM_017514.5(PLXNA3):c.3027C>T (p.Asn1009=)

Gene: PLXNA3 (plexin A3; plus strand). Cytogenetic location: Xq28.
Variant type: single nucleotide variant.
Coding change: c.3027C>T on transcript NM_017514.5 (MANE Select); coding-DNA position 3027, C replaced by T.
Protein change: p.Asn1009=; no amino-acid change (asparagine 1009 retained).
Molecular consequence: synonymous variant.
Genome position (GRCh38, 1-based): chrX:154,466,713, C>T. VCF-style: chrX-154466713-C-T. GRCh37 (hg19) VCF-style: chrX-153695056-C-T.
Identifiers: ClinVar variation 3357648 (VCV003357648.1).